The following is an entry in ClinVar:

ClinVar aggregate classification (germline): Uncertain significance (1 of 4 stars; one submission).

Submission:

Women's Health and Genetics/Laboratory Corporation of America, LabCorp
Classification: Uncertain significance. Last evaluated: 2016-08-01. Review status: criteria provided, single submitter. Criteria: LabCorp Variant Classification Summary - May 2015. Collection method: clinical testing. Allele origin: germline.
Comment: Variant summary: The SOS1 c.510+10T>A variant involves the alteration of a non-conserved intronic nucleotide. One in silico tool predicts a benign outcome for this variant, and 4/5 splicing algorithms predict no significant change to normal splicing. This variant is absent in 121294 control chromosomes, and has not, to our knowledge, been reported in affected individuals via publications and/or reputable databases/clinical diagnostic laboratories; nor evaluated for functional impact by in vivo/vitro studies. Because of the absence of clinical information and the lack of functional studies, the variant is classified as a variant of uncertain significance (VUS) until additional information becomes available.

NM_005633.4(SOS1):c.510+10T>A

Gene: SOS1 (SOS Ras/Rac guanine nucleotide exchange factor 1; minus strand). Cytogenetic location: 2p22.1.
Variant type: single nucleotide variant.
Coding change: c.510+10T>A on transcript NM_005633.4 (MANE Select); 10 bases into the intron after coding-DNA position 510, T replaced by A.
Molecular consequence: intron variant.
Genome position (GRCh38, 1-based): chr2:39,056,692, A>T on the plus strand (T>A on the coding strand, the complement: SOS1 is on the minus strand). VCF-style: chr2-39056692-A-T. GRCh37 (hg19) VCF-style: chr2-39283833-A-T.
Other names: c.489+10T>A (NM_001382394.1); c.510+10T>A (NM_001382395.1).
Identifiers: ClinVar variation 496308 (VCV000496308.1), dbSNP rs1553362584, ClinGen allele CA658683180.